The following is an entry in ClinVar:

ClinVar aggregate classification (germline): Uncertain significance (1 of 4 stars; one submission).

Conditions:
PCNT-related disorder. Also called: PCNT-related condition.

gnomAD v4.1: 4 of 1,614,038 alleles (0.00025%); highest among the groups gnomAD compares: Non-Finnish European, 0.00034%; no homozygotes.

Submission:

PreventionGenetics, part of Exact Sciences
Classification: Uncertain significance for PCNT-related condition. Last evaluated: 2025-06-27. Review status: criteria provided, single submitter. Criteria: ACMG Guidelines, 2015. Collection method: clinical testing. Allele origin: germline.
Comment: The PCNT c.8065-1G>A variant is predicted to disrupt the AG splice acceptor site and interfere with normal splicing. This variant is predicted to alter splicing based on available splicing prediction programs (SpliceAI, Jaganathan et al. 2019. PubMed ID: 30661751); however, the exon that this variant impacts is in frame, and, if skipped, this variant could potentially result in a large in-frame deletion. To our knowledge, this variant has not been reported in the literature. This variant is reported in 0.00088% of alleles in individuals of European (Non-Finnish) descent in gnomAD. At this time, the clinical significance of this variant is classified as uncertain due to the absence of conclusive functional and genetic evidence.

NM_006031.6(PCNT):c.8065-1G>A

Gene: PCNT (pericentrin; plus strand). Cytogenetic location: 21q22.3.
Variant type: single nucleotide variant.
Coding change: c.8065-1G>A on transcript NM_006031.6 (MANE Select); the canonical splice acceptor site of the intron before coding-DNA position 8065, G replaced by A.
Molecular consequence: splice acceptor variant.
Genome position (GRCh38, 1-based): chr21:46,431,528, G>A. VCF-style: chr21-46431528-G-A. GRCh37 (hg19) VCF-style: chr21-47851442-G-A.
Other names: c.7711-1G>A (NM_001315529.2); c.8065-1G>A (NM_006031.5).
Identifiers: ClinVar variation 4999833 (VCV004999833.1), dbSNP rs1450352574.